The following is an entry in ClinVar:

ClinVar aggregate classification (germline): Uncertain significance (1 of 4 stars; one submission).

Submission:

GeneDx
Classification: Uncertain significance. Last evaluated: 2023-12-21. Review status: criteria provided, single submitter. Criteria: GeneDx Variant Classification Process June 2021. Collection method: clinical testing. Allele origin: germline. Affected: yes.
Comment: Not observed at significant frequency in large population cohorts (gnomAD); In silico analysis supports that this missense variant has a deleterious effect on protein structure/function; Has not been previously published as pathogenic or benign to our knowledge

NM_001007527.2(LMBRD2):c.613G>A (p.Gly205Ser)

Gene: LMBRD2 (LMBR1 domain containing 2; minus strand). Cytogenetic location: 5p13.2.
Variant type: single nucleotide variant.
Coding change: c.613G>A on transcript NM_001007527.2 (MANE Select); coding-DNA position 613, G replaced by A.
Protein change: p.Gly205Ser; replaces glycine 205 with serine.
Molecular consequence: missense variant.
Genome position (GRCh38, 1-based): chr5:36,136,443, C>T on the plus strand (G>A on the coding strand, the complement: LMBRD2 is on the minus strand). VCF-style: chr5-36136443-C-T. GRCh37 (hg19) VCF-style: chr5-36136545-C-T.
Other names: short protein forms G205S.
Identifiers: ClinVar variation 3369970 (VCV003369970.1).
Genomic context (GRCh38, chr5:36,136,443, plus strand): 5'-TCATAAGTAGATAACCCCTTTTTGCTCCATTCCAGTATGATCGAGGAATTTCCACCAAGC[C>T]ATACCCCAACAACAACACAAGAAGAAACAGACCCCATGTATTTGCAGCAGCTATCCCAAT-3'
Protein context (NP_001007528.1, residues 195-215): LFLLVLLLGY[Gly205Ser]LVEIPRSYWN